The following is an entry in ClinVar:

ClinVar aggregate classification (germline): Uncertain significance. Review status: criteria provided, multiple submitters, no conflicts (2 of 4 stars). 2 submissions from 2 submitters: Uncertain significance (2). Last evaluated 2025-05-05.

Conditions:
Hereditary cancer-predisposing syndrome. Also called: Neoplastic Syndromes, Hereditary; Tumor predisposition; Hereditary Cancer Syndrome; Hereditary neoplastic syndrome. Identifiers: Orphanet 140162, MedGen C0027672, MeSH D009386, MONDO:0015356.
BAP1-related tumor predisposition syndrome (TPDS1). Also called: BAP1 tumor predisposition syndrome; Tumor susceptibility linked to germline BAP1 mutations; COMMON Syndrome; TUMOR PREDISPOSITION SYNDROME 1. Identifiers: Orphanet 289539, MedGen C3280492, MONDO:0013692, OMIM 614327.

Submissions (2):

Ambry Genetics
Classification: Uncertain significance for Hereditary cancer-predisposing syndrome. Last evaluated: 2025-05-05. Review status: criteria provided, single submitter. Criteria: Ambry Variant Classification Scheme 2023. Collection method: clinical testing. Allele origin: germline.
Comment: The p.I210T variant (also known as c.629T>C), located in coding exon 8 of the BAP1 gene, results from a T to C substitution at nucleotide position 629. The isoleucine at codon 210 is replaced by threonine, an amino acid with similar properties. This amino acid position is highly conserved in available vertebrate species. In addition, this alteration is predicted to be deleterious by in silico analysis. Based on the available evidence, the clinical significance of this variant remains unclear.

Labcorp Genetics (formerly Invitae), Labcorp
Classification: Uncertain significance for BAP1-related tumor predisposition syndrome. Last evaluated: 2018-11-06. Review status: criteria provided, single submitter. Criteria: Invitae Variant Classification Sherloc (09022015). Collection method: clinical testing. Allele origin: germline.
Comment: In summary, the available evidence is currently insufficient to determine the role of this variant in disease. Therefore, it has been classified as a Variant of Uncertain Significance. Algorithms developed to predict the effect of missense changes on protein structure and function (SIFT, PolyPhen-2, Align-GVGD) all suggest that this variant is likely to be disruptive, but these predictions have not been confirmed by published functional studies and their clinical significance is uncertain. This variant has not been reported in the literature in individuals with BAP1-related disease. This variant is not present in population databases (ExAC no frequency). This sequence change replaces isoleucine with threonine at codon 210 of the BAP1 protein (p.Ile210Thr). The isoleucine residue is highly conserved and there is a moderate physicochemical difference between isoleucine and threonine.

NM_004656.4(BAP1):c.629T>C (p.Ile210Thr)

Gene: BAP1 (BRCA1 associated deubiquitinase 1; minus strand). Cytogenetic location: 3p21.1.
Variant type: single nucleotide variant.
Coding change: c.629T>C on transcript NM_004656.4 (MANE Select); coding-DNA position 629, T replaced by C.
Protein change: p.Ile210Thr; replaces isoleucine 210 with threonine.
Molecular consequence: missense variant.
Genome position (GRCh38, 1-based): chr3:52,406,859, A>G on the plus strand (T>C on the coding strand, the complement: BAP1 is on the minus strand). VCF-style: chr3-52406859-A-G. GRCh37 (hg19) VCF-style: chr3-52440875-A-G.
Other names: c.629T>C (NM_004656.2); short protein forms I210T.
Identifiers: ClinVar variation 650292 (VCV000650292.7), dbSNP rs1383276496, ClinGen allele CA353108933.